The following is an entry in ClinVar:

NM_005546.4(ITK):c.1558T>C (p.Phe520Leu)

Gene: ITK (IL2 inducible T cell kinase; plus strand). Cytogenetic location: 5q33.3.
Variant type: single nucleotide variant.
Coding change: c.1558T>C on transcript NM_005546.4 (MANE Select); coding-DNA position 1558, T replaced by C.
Protein change: p.Phe520Leu; replaces phenylalanine 520 with leucine.
Molecular consequence: missense variant.
Genome position (GRCh38, 1-based): chr5:157,245,924, T>C. VCF-style: chr5-157245924-T-C. GRCh37 (hg19) VCF-style: chr5-156672934-T-C.
Other names: short protein forms F520L.
Identifiers: ClinVar variation 2443151 (VCV002443151.2), dbSNP rs1755012015, ClinGen allele CA361962431.

ClinVar aggregate classification (germline): Uncertain significance (0 of 4 stars; one submission).

Submission:

Genetic Services Laboratory, University of Chicago
Classification: Uncertain significance. Last evaluated: 2022-08-08. Review status: no assertion criteria provided. Collection method: clinical testing. Allele origin: germline. Affected: no.
Comment: DNA sequence analysis of the ITK gene demonstrated a sequence change, c.1558T>C, in exon 15 that results in an amino acid change, p.Phe520Leu. This sequence change does not appear to have been previously described in individuals with ITK-related disorders and has also not been described in population databases such as ExAC and gnomAD. The p.Phe520Leu change affects a highly conserved amino acid residue located in a domain of the ITK protein that is known to be functional. The p.Phe520Leu substitution appears to be deleterious using several in-silico pathogenicity prediction tools (SIFT, PolyPhen2, Align GVGD, REVEL). Due to insufficient evidences and the lack of functional studies, the clinical significance of the p.Phe520Leu change remains unknown at this time